The following is an entry in ClinVar:

ClinVar aggregate classification (germline): Uncertain significance (1 of 4 stars; one submission).

Submission:

Labcorp Genetics (formerly Invitae), Labcorp
Classification: Uncertain significance. Last evaluated: 2024-06-14. Review status: criteria provided, single submitter. Criteria: Invitae Variant Classification Sherloc (09022015). Collection method: clinical testing. Allele origin: germline.
Comment: This sequence change replaces proline, which is neutral and non-polar, with leucine, which is neutral and non-polar, at codon 30 of the ITM2B protein (p.Pro30Leu). This variant is not present in population databases (gnomAD no frequency). This variant has not been reported in the literature in individuals affected with ITM2B-related conditions. ClinVar contains an entry for this variant (Variation ID: 1389380). An algorithm developed to predict the effect of missense changes on protein structure and function (PolyPhen-2) suggests that this variant is likely to be tolerated. In summary, the available evidence is currently insufficient to determine the role of this variant in disease. Therefore, it has been classified as a Variant of Uncertain Significance.

NM_021999.5(ITM2B):c.89C>T (p.Pro30Leu)

Gene: ITM2B (integral membrane protein 2B; plus strand). Cytogenetic location: 13q14.2.
Variant type: single nucleotide variant.
Coding change: c.89C>T on transcript NM_021999.5 (MANE Select); coding-DNA position 89, C replaced by T.
Protein change: p.Pro30Leu; replaces proline 30 with leucine.
Molecular consequence: missense variant.
Genome position (GRCh38, 1-based): chr13:48,233,449, C>T. VCF-style: chr13-48233449-C-T. GRCh37 (hg19) VCF-style: chr13-48807585-C-T.
Other names: short protein forms P30L.
Identifiers: ClinVar variation 1389380 (VCV001389380.6), dbSNP rs1479180708, ClinGen allele CA388250061.
Genomic context (GRCh38, chr13:48,233,449, plus strand): 5'-TGGCCCAGAAGGAGGCCAAGAAGGACGAGCCCAAGAGCGGCGAGGAGGCGCTCATCATCC[C>T]CCCCGACGCCGTCGCGGTGGACTGCAAGGTCCGAGCCCGGGGAGGTCGAGGAAGCGGGTG-3'
Protein context (NP_068839.1, residues 20-40): PKSGEEALII[Pro30Leu]PDAVAVDCKD